The following is an entry in ClinVar:

NM_000051.4(ATM):c.919A>T (p.Lys307Ter)

Gene: ATM (ATM serine/threonine kinase; plus strand). Cytogenetic location: 11q22.3.
Variant type: single nucleotide variant.
Coding change: c.919A>T on transcript NM_000051.4 (MANE Select); coding-DNA position 919, A replaced by T.
Protein change: p.Lys307Ter; replaces lysine 307 with a stop codon.
Molecular consequence: nonsense.
Genome position (GRCh38, 1-based): chr11:108,246,981, A>T. VCF-style: chr11-108246981-A-T. GRCh37 (hg19) VCF-style: chr11-108117708-A-T.
Other names: c.919A>T, p.Lys307Ter (NM_001351834.2); short protein forms K307*.
Identifiers: ClinVar variation 1766137 (VCV001766137.2), dbSNP rs1387448237, ClinGen allele CA382530558.

ClinVar aggregate classification (germline): Pathogenic (1 of 4 stars; one submission).

Conditions:
Hereditary cancer-predisposing syndrome. Also called: Neoplastic Syndromes, Hereditary; Tumor predisposition; Hereditary Cancer Syndrome; Hereditary neoplastic syndrome. Identifiers: Orphanet 140162, MedGen C0027672, MeSH D009386, MONDO:0015356.

Submission:

Ambry Genetics
Classification: Pathogenic for Hereditary cancer-predisposing syndrome. Last evaluated: 2022-06-17. Review status: criteria provided, single submitter. Criteria: Ambry Variant Classification Scheme 2023. Collection method: clinical testing. Allele origin: germline.
Comment: The p.K307* pathogenic mutation (also known as c.919A>T), located in coding exon 7 of the ATM gene, results from an A to T substitution at nucleotide position 919. This changes the amino acid from a lysine to a stop codon within coding exon 7. This variant is considered to be rare based on population cohorts in the Genome Aggregation Database (gnomAD). This alteration is expected to result in loss of function by premature protein truncation or nonsense-mediated mRNA decay. As such, this alteration is interpreted as a disease-causing mutation.